The following is an entry in ClinVar:

ClinVar aggregate classification (germline): Uncertain significance. Review status: criteria provided, multiple submitters, no conflicts (2 of 4 stars). 4 submissions from 4 submitters: Uncertain significance (4). Last evaluated 2025-09-08.

Conditions:
Recessive dystrophic epidermolysis bullosa (RDEB). Also called: epidermolysis bullosa dystrophica, autosomal recessive; Hallopeau-Siemens Disease; Recessive DEB (RDEB); DYSTROPHIC EPIDERMOLYSIS BULLOSA, AUTOSOMAL RECESSIVE; EPIDERMOLYSIS BULLOSA DYSTROPHICA, HALLOPEAU-SIEMENS TYPE; EPIDERMOLYSIS BULLOSA DYSTROPHICA, GENERALIZED SEVERE, AUTOSOMAL RECESSIVE. Identifiers: Orphanet 79408, Orphanet 79409, MedGen C0079474, MONDO:0009179, OMIM 226600.

Submissions (4):

Myriad Genetics, Inc.
Classification: Uncertain significance for Recessive dystrophic epidermolysis bullosa. Last evaluated: 2025-09-08. Review status: criteria provided, single submitter. Criteria: Myriad Autosomal Dominant, Autosomal Recessive and X-Linked Classification Criteria (2023). Collection method: clinical testing. Allele origin: unknown.
Comment: NM_000094.3(COL7A1):c.6927G>C(K2309N) is a missense variant classified as a variant of uncertain significance in the context of dystrophic epidermolysis bullosa. K2309N has been observed in cases with relevant disease (PMID: 19681861). Relevant functional assessments of this variant are not available in the literature. K2309N has not been observed in referenced population frequency databases. In summary, there is insufficient evidence to classify NM_000094.3(COL7A1):c.6927G>C(K2309N) as pathogenic or benign. Please note: this variant was assessed in the context of healthy population screening.

Labcorp Genetics (formerly Invitae), Labcorp
Classification: Uncertain significance. Last evaluated: 2025-03-22. Review status: criteria provided, single submitter. Criteria: Invitae Variant Classification Sherloc (09022015). Collection method: clinical testing. Allele origin: germline.
Comment: This sequence change replaces lysine, which is basic and polar, with asparagine, which is neutral and polar, at codon 2309 of the COL7A1 protein (p.Lys2309Asn). This variant is not present in population databases (gnomAD no frequency). This missense change has been observed in individual(s) with dystrophic epidermolysis bullosa (PMID: 19681861). ClinVar contains an entry for this variant (Variation ID: 2444339). Invitae Evidence Modeling of protein sequence and biophysical properties (such as structural, functional, and spatial information, amino acid conservation, physicochemical variation, residue mobility, and thermodynamic stability) has been performed for this missense variant. However, the output from this modeling did not meet the statistical confidence thresholds required to predict the impact of this variant on COL7A1 protein function. In summary, the available evidence is currently insufficient to determine the role of this variant in disease. Therefore, it has been classified as a Variant of Uncertain Significance.

Women's Health and Genetics/Laboratory Corporation of America, LabCorp
Classification: Uncertain significance. Last evaluated: 2024-07-03. Review status: criteria provided, single submitter. Criteria: LabCorp Variant Classification Summary - May 2015. Collection method: clinical testing. Allele origin: germline.
Comment: Variant summary: COL7A1 c.6927G>C (p.Lys2309Asn) results in a non-conservative amino acid change in the encoded protein sequence. Four of four in-silico tools predict a damaging effect of the variant on protein function. The variant was absent in 251356 control chromosomes. The available data on variant occurrences in the general population are insufficient to allow any conclusion about variant significance. c.6927G>C has been reported in the literature in the compound heterozygous state in at least one individual affected with Dystrophic Epidermolysis Bullosa, Recessive (e.g. Kern_2009). These data do not allow any conclusion about variant significance. To our knowledge, no experimental evidence demonstrating an impact on protein function has been reported. The following publication have been ascertained in the context of this evaluation (PMID: 19681861). ClinVar contains an entry for this variant (Variation ID: 2444339). Based on the evidence outlined above, the variant was classified as uncertain significance.

3billion
Classification: Uncertain significance for Recessive dystrophic epidermolysis bullosa. Last evaluated: 2023-02-23. Review status: criteria provided, single submitter. Criteria: ACMG Guidelines, 2015. Collection method: clinical testing. Allele origin: unknown. Affected: yes.
Comment: The variant is not observed in the gnomAD v2.1.1 dataset. Same nucleotide change resulting in same amino acid change has been previously reported to be associated with COL7A1 -related disorder (PMID: 19681861). However, the evidence of pathogenicity is insufficient at this time. Therefore, this variant is classified as VUS according to the recommendation of ACMG/AMP guideline.

Literature cited by the submitters: PubMed 19681861 (cited by 4 submitters).

NM_000094.4(COL7A1):c.6927G>C (p.Lys2309Asn)

Gene: COL7A1 (collagen type VII alpha 1 chain; minus strand). Cytogenetic location: 3p21.31.
Variant type: single nucleotide variant.
Coding change: c.6927G>C on transcript NM_000094.4 (MANE Select); coding-DNA position 6927, G replaced by C.
Protein change: p.Lys2309Asn; replaces lysine 2309 with asparagine.
Molecular consequence: missense variant.
Genome position (GRCh38, 1-based): chr3:48,572,512, C>G on the plus strand (G>C on the coding strand, the complement: COL7A1 is on the minus strand). VCF-style: chr3-48572512-C-G. GRCh37 (hg19) VCF-style: chr3-48609945-C-G.
Other names: short protein forms K2309N.
Identifiers: ClinVar variation 2444339 (VCV002444339.4), dbSNP rs2530904406, ClinGen allele CA352652900.